The following is an entry in ClinVar:

ClinVar aggregate classification (germline): Likely benign (0 of 4 stars; one submission).

Conditions:
PLXNA2-related disorder. Also called: PLXNA2-related condition.

Allele frequency attached by ClinVar (database versions not stated): gnomAD exomes 0.00001; gnomAD 0.00003; TOPMed 0.00005; ExAC 0.00006.
gnomAD v4.1: 24 of 1,613,042 alleles (0.0015%); highest among the groups gnomAD compares: Middle Eastern, 0.016%; no homozygotes.

Submission:

PreventionGenetics, part of Exact Sciences
Classification: Likely benign for PLXNA2-related condition. Last evaluated: 2021-12-09. Review status: no assertion criteria provided. Collection method: clinical testing. Allele origin: germline.
Comment: This variant is classified as likely benign based on ACMG/AMP sequence variant interpretation guidelines (Richards et al. 2015 PMID: 25741868, with internal and published modifications).

NM_025179.4(PLXNA2):c.1410C>T (p.Tyr470=)

Gene: PLXNA2 (plexin A2; minus strand). Cytogenetic location: 1q32.2.
Variant type: single nucleotide variant.
Coding change: c.1410C>T on transcript NM_025179.4 (MANE Select); coding-DNA position 1410, C replaced by T.
Protein change: p.Tyr470=; no amino-acid change (tyrosine 470 retained).
Molecular consequence: synonymous variant.
Genome position (GRCh38, 1-based): chr1:208,142,425, G>A on the plus strand (C>T on the coding strand, the complement: PLXNA2 is on the minus strand). VCF-style: chr1-208142425-G-A. GRCh37 (hg19) VCF-style: chr1-208315770-G-A.
Identifiers: ClinVar variation 3032026 (VCV003032026.2), dbSNP rs374407002, ClinGen allele CA1373856.